The following is an entry in ClinVar:

NC_000016.9:g.(?_23640515)_(23647665_?)del

Gene: PALB2 (partner and localizer of BRCA2; minus strand). Cytogenetic location: 16p12.2.
Variant type: Deletion.
Identifiers: ClinVar variation 2426859 (VCV002426859.4).

ClinVar aggregate classification (germline): Pathogenic (1 of 4 stars; one submission).

Conditions:
Familial cancer of breast. Also called: Hereditary breast cancer; BREAST CANCER, FAMILIAL; hereditary breast carcinoma. Identifiers: Orphanet 227535, MedGen C0346153, MONDO:0016419, OMIM 114480. Disease mechanism: loss of function.

Submission:

Labcorp Genetics (formerly Invitae), Labcorp
Classification: Pathogenic for Familial cancer of breast. Last evaluated: 2022-12-08. Review status: criteria provided, single submitter. Criteria: Invitae Variant Classification Sherloc (09022015). Collection method: clinical testing. Allele origin: germline.
Comment: For these reasons, this variant has been classified as Pathogenic. This variant has not been reported in the literature in individuals affected with PALB2-related conditions. This variant is a gross deletion of the genomic region encompassing exon(s) 4-6 of the PALB2 gene. This deletion is out-of-frame, and is expected to create a premature termination codon and result in an absent or disrupted protein product. Loss-of-function variants in PALB2 are known to be pathogenic (PMID: 17200668, 17200671, 17200672, 24136930, 25099575).

Literature cited by the submitters: PubMed 17200668; PubMed 17200671; PubMed 17200672; PubMed 24136930; PubMed 25099575.